The following is an entry in ClinVar:

ClinVar aggregate classification (germline): Uncertain significance (1 of 4 stars; one submission).

Allele frequency attached by ClinVar (database versions not stated): gnomAD exomes below 0.00001; ExAC 0.00002.
gnomAD v4.1: 2 of 1,600,802 alleles (0.00012%); highest among the groups gnomAD compares: Admixed American, 0.0034%; no homozygotes.

Submission:

Labcorp Genetics (formerly Invitae), Labcorp
Classification: Uncertain significance. Last evaluated: 2022-08-23. Review status: criteria provided, single submitter. Criteria: Invitae Variant Classification Sherloc (09022015). Collection method: clinical testing. Allele origin: germline.
Comment: In summary, the available evidence is currently insufficient to determine the role of this variant in disease. Therefore, it has been classified as a Variant of Uncertain Significance. Algorithms developed to predict the effect of missense changes on protein structure and function are either unavailable or do not agree on the potential impact of this missense change (SIFT: "Tolerated"; PolyPhen-2: "Probably Damaging"; Align-GVGD: "Class C0"). This variant has not been reported in the literature in individuals affected with CEP78-related conditions. This variant is not present in population databases (gnomAD no frequency). This sequence change replaces glutamine, which is neutral and polar, with lysine, which is basic and polar, at codon 565 of the CEP78 protein (p.Gln565Lys).

NM_001330691.3(CEP78):c.1690C>A (p.Gln564Lys)

Gene: CEP78 (centrosomal protein 78; plus strand). Cytogenetic location: 9q21.2.
Variant type: single nucleotide variant.
Coding change: c.1690C>A on transcript NM_001330691.3 (MANE Select); coding-DNA position 1690, C replaced by A.
Protein change: p.Gln564Lys; replaces glutamine 564 with lysine.
Molecular consequence: missense variant.
Genome position (GRCh38, 1-based): chr9:78,265,436, C>A. VCF-style: chr9-78265436-C-A. GRCh37 (hg19) VCF-style: chr9-80880352-C-A.
Other names: c.1693C>A, p.Gln565Lys (NM_001098802.3, NM_001349839.2, NM_001349840.2 and 1 more transcripts); c.1690C>A, p.Gln564Lys (NM_001330693.3, NM_001330694.2, NM_001349838.2); short protein forms Q565K, Q564K.
Identifiers: ClinVar variation 1965765 (VCV001965765.5), dbSNP rs777650460, ClinGen allele CA5095333.
Genomic context (GRCh38, chr9:78,265,436, plus strand): 5'-GGGCAGCTTGCCACAATGGCTGGGATAGATCAGTCAGATTTTCAATTACTAGGTCATCCC[C>A]AGATGACTTCTACTGTTAGTAATCCACCTAAAGAAGAAAAGAAGGCGCTTGAAGATGAAA-3'
Protein context (NP_001317620.1, residues 554-574): QSDFQLLGHP[Gln564Lys]MTSTVSNPPK